The following is an entry in ClinVar:

ClinVar aggregate classification (germline): Uncertain significance (1 of 4 stars; one submission).

Conditions:
Familial thoracic aortic aneurysm and aortic dissection (TAAD). Also called: Thoracic aortic aneurysms and dissections. Identifiers: Orphanet 91387, MedGen C4707243, MONDO:0019625.
Marfan syndrome (MFS). Also called: MARFAN SYNDROME, TYPE I; Marfan syndrome type 1; Marfan's syndrome; Marfan syndrome, classic; FBN1-Related Marfan Syndrome. Identifiers: Orphanet 284963, Orphanet 558, MedGen C0024796, MONDO:0007947, OMIM 154700.

Submission:

Labcorp Genetics (formerly Invitae), Labcorp
Classification: Uncertain significance for Marfan syndrome; Familial thoracic aortic aneurysm and aortic dissection. Last evaluated: 2022-09-20. Review status: criteria provided, single submitter. Criteria: Invitae Variant Classification Sherloc (09022015). Collection method: clinical testing. Allele origin: germline.
Comment: In summary, the available evidence is currently insufficient to determine the role of this variant in disease. Therefore, it has been classified as a Variant of Uncertain Significance. Experimental studies and prediction algorithms are not available or were not evaluated, and the functional significance of this variant is currently unknown. This variant has not been reported in the literature in individuals affected with FBN1-related conditions. This variant is not present in population databases (gnomAD no frequency). This variant, c.7022_7039del, results in the deletion of 6 amino acid(s) of the FBN1 protein (p.Thr2341_Asn2346del), but otherwise preserves the integrity of the reading frame.

NM_000138.5(FBN1):c.7022_7039del (p.Thr2341_Asn2346del)

Gene: FBN1 (fibrillin 1; minus strand). Cytogenetic location: 15q21.1.
Variant type: Deletion.
Coding change: c.7022_7039del on transcript NM_000138.5 (MANE Select); coding-DNA positions 7022 to 7039, 18 bases deleted (CAGAGGTGCTACAAAACA).
Protein change: p.Thr2341_Asn2346del.
Molecular consequence: inframe deletion. On other transcripts: inframe indel (1).
Genome position (GRCh38, 1-based): chr15:48,427,732-48,427,749, TGTTTTGTAGCACCTCTG deleted on the plus strand (CAGAGGTGCTACAAAACA on the coding strand, the reverse complement: FBN1 is on the minus strand); deleting any 18 consecutive bases within chr15:48,427,732-48,427,751 gives the same sequence; the c. name uses the placement nearest the transcript's 3' end. VCF-style (leftmost placement, unchanged base first): chr15-48427731-ATGTTTTGTAGCACCTCTG-A. GRCh37 (hg19) VCF-style: chr15-48719928-ATGTTTTGTAGCACCTCTG-A.
Other names: c.7020_7037del18, p.Thr2341_Asn2346del (NM_001406716.1).
Identifiers: ClinVar variation 2031517 (VCV002031517.4), dbSNP rs2505412726, ClinGen allele CA2580089681.
Genomic context (GRCh38, chr15:48,427,731, plus strand): 5'-CCGTCACAGCAGCATTCCGATTTGGTGACGGGGTTCCTGTTGCTGGAGCCGATCTGACAC[ATGTTTTGTAGCACCTCTG>A]TGAAGCAGTACCCTTCCCGATTGTCTGGAAGGGACATTATATGGCAAAGGGGATGTCAGG-3'